The following is an entry in ClinVar:

NM_001034853.2(RPGR):c.1500A>C (p.Leu500Phe)

Gene: RPGR (retinitis pigmentosa GTPase regulator; minus strand). Cytogenetic location: Xp11.4.
Variant type: single nucleotide variant.
Coding change: c.1500A>C on transcript NM_001034853.2 (MANE Select); coding-DNA position 1500, A replaced by C.
Protein change: p.Leu500Phe; replaces leucine 500 with phenylalanine.
Molecular consequence: missense variant. On other transcripts: non-coding transcript variant (5).
Genome position (GRCh38, 1-based): chrX:38,291,399, T>G on the plus strand (A>C on the coding strand, the complement: RPGR is on the minus strand). VCF-style: chrX-38291399-T-G. GRCh37 (hg19) VCF-style: chrX-38150652-T-G.
Other names: c.1500A>C, p.Leu500Phe (NM_000328.3, NM_001367247.1); c.1497A>C, p.Leu499Phe (NM_001367245.1, NM_001367249.1, NM_001367250.1); c.1314A>C, p.Leu438Phe (NM_001367246.1, NM_001367251.1); c.1530A>C, p.Leu510Phe (NM_001367248.1); c.1500A>C (NM_001034853.1); short protein forms L438F, L499F, L500F, L510F.
Identifiers: ClinVar variation 1773999 (VCV001773999.9), dbSNP rs375014257, ClinGen allele CA10385475.

ClinVar aggregate classification (germline): Conflicting classifications of pathogenicity. Review status: criteria provided, conflicting classifications (1 of 4 stars). 4 submissions from 4 submitters: Uncertain significance (1); Likely benign (3). Last evaluated 2025-09-05.

Conditions:
RPGR-related disorder. Also called: RPGR-related condition.
Primary ciliary dyskinesia. Also called: Ciliary dyskinesia. Identifiers: Orphanet 244, MedGen C0008780, MONDO:0016575, HP:0012265.

Allele frequency attached by ClinVar (database versions not stated): ExAC 0.00002; gnomAD 0.00003; TOPMed 0.00003; ESP Exome Variant Server 0.00009; gnomAD exomes 0.00010.
gnomAD v4.1: 101 of 1,114,458 alleles (0.0091%); highest among the groups gnomAD compares: Non-Finnish European, 0.012%; no homozygotes.

Submissions (4):

Labcorp Genetics (formerly Invitae), Labcorp
Classification: Uncertain significance for Primary ciliary dyskinesia. Last evaluated: 2025-09-05. Review status: criteria provided, single submitter. Criteria: Invitae Variant Classification Sherloc (09022015). Collection method: clinical testing. Allele origin: germline.
Comment: This sequence change replaces leucine, which is neutral and non-polar, with phenylalanine, which is neutral and non-polar, at codon 500 of the RPGR protein (p.Leu500Phe). This variant is present in population databases (rs375014257, gnomAD 0.007%). This missense change has been observed in individual(s) with inherited retinal disease (PMID: 38219857). ClinVar contains an entry for this variant (Variation ID: 1773999). Invitae Evidence Modeling of protein sequence and biophysical properties (such as structural, functional, and spatial information, amino acid conservation, physicochemical variation, residue mobility, and thermodynamic stability) has been performed for this missense variant. However, the output from this modeling did not meet the statistical confidence thresholds required to predict the impact of this variant on RPGR protein function. In summary, the available evidence is currently insufficient to determine the role of this variant in disease. Therefore, it has been classified as a Variant of Uncertain Significance.

PreventionGenetics, part of Exact Sciences
Classification: Likely benign for RPGR-related condition. Last evaluated: 2025-04-24. Review status: criteria provided, single submitter. Criteria: ACMG Guidelines, 2015. Collection method: clinical testing. Allele origin: germline.
Comment: This variant is classified as likely benign based on ACMG/AMP sequence variant interpretation guidelines (Richards et al. 2015 PMID: 25741868, with internal and published modifications).

Blueprint Genetics
Classification: Likely benign. Last evaluated: 2024-03-08. Review status: criteria provided, single submitter. Criteria: ACMG Guidelines, 2015. Collection method: clinical testing. Allele origin: germline.

Ambry Genetics
Classification: Likely benign for Primary ciliary dyskinesia. Last evaluated: 2022-10-25. Review status: criteria provided, single submitter. Criteria: Ambry Variant Classification Scheme 2023. Collection method: clinical testing. Allele origin: germline.

Literature cited by the submitters: PubMed 38219857 (cited by Labcorp Genetics (formerly Invitae), Labcorp).